The following is an entry in ClinVar:

NM_004586.3(RPS6KA3):c.1291G>T (p.Gly431Cys)

Gene: RPS6KA3 (ribosomal protein S6 kinase A3; minus strand). Cytogenetic location: Xp22.12.
Variant type: single nucleotide variant.
Coding change: c.1291G>T on transcript NM_004586.3 (MANE Select); coding-DNA position 1291, G replaced by T.
Protein change: p.Gly431Cys; replaces glycine 431 with cysteine.
Molecular consequence: missense variant.
Genome position (GRCh38, 1-based): chrX:20,172,808, C>A on the plus strand (G>T on the coding strand, the complement: RPS6KA3 is on the minus strand). VCF-style: chrX-20172808-C-A. GRCh37 (hg19) VCF-style: chrX-20190926-C-A.
Other names: short protein forms G431C.
Identifiers: ClinVar variation 1717062 (VCV001717062.6), dbSNP rs2519665418, ClinGen allele CA412516281.

ClinVar aggregate classification (germline): Uncertain significance (1 of 4 stars; one submission).

Conditions:
Intellectual developmental disorder, X-linked 19. Also called: Intellectual disability, X-linked 19. Identifiers: Orphanet 777, MedGen C0796225, MONDO:0010447, OMIM 300844.
Coffin-Lowry syndrome (CLS). Also called: COFFIN-LOWRY SYNDROME, MILD; Mental retardation with osteocartilaginous abnormalities. Identifiers: Orphanet 192, MedGen C0265252, MONDO:0010561, OMIM 303600.

Submission:

Labcorp Genetics (formerly Invitae), Labcorp
Classification: Uncertain significance for Coffin-Lowry syndrome; Intellectual developmental disorder, X-linked 19. Last evaluated: 2022-08-20. Review status: criteria provided, single submitter. Criteria: Invitae Variant Classification Sherloc (09022015). Collection method: clinical testing. Allele origin: germline.
Comment: Advanced modeling of protein sequence and biophysical properties (such as structural, functional, and spatial information, amino acid conservation, physicochemical variation, residue mobility, and thermodynamic stability) performed at Invitae indicates that this missense variant is expected to disrupt RPS6KA3 protein function. This variant has not been reported in the literature in individuals affected with RPS6KA3-related conditions. This variant is not present in population databases (gnomAD no frequency). In summary, the available evidence is currently insufficient to determine the role of this variant in disease. Therefore, it has been classified as a Variant of Uncertain Significance. This sequence change replaces glycine, which is neutral and non-polar, with cysteine, which is neutral and slightly polar, at codon 431 of the RPS6KA3 protein (p.Gly431Cys).